The following is an entry in ClinVar:

ClinVar aggregate classification (germline): Uncertain significance (1 of 4 stars; one submission).

Allele frequency attached by ClinVar (database versions not stated): ExAC 0.00001.
gnomAD v4.1: 3 of 1,612,728 alleles (0.00019%); highest among the groups gnomAD compares: Middle Eastern, 0.017%; no homozygotes.

Submission:

Labcorp Genetics (formerly Invitae), Labcorp
Classification: Uncertain significance. Last evaluated: 2022-09-01. Review status: criteria provided, single submitter. Criteria: Invitae Variant Classification Sherloc (09022015). Collection method: clinical testing. Allele origin: germline.
Comment: In summary, the available evidence is currently insufficient to determine the role of this variant in disease. Therefore, it has been classified as a Variant of Uncertain Significance. Algorithms developed to predict the effect of sequence changes on RNA splicing suggest that this variant may create or strengthen a splice site. Algorithms developed to predict the effect of missense changes on protein structure and function are either unavailable or do not agree on the potential impact of this missense change (SIFT: "Deleterious"; PolyPhen-2: "Probably Damaging"; Align-GVGD: "Class C0"). ClinVar contains an entry for this variant (Variation ID: 1371329). This variant has not been reported in the literature in individuals affected with VARS2-related conditions. This variant is present in population databases (rs770182765, gnomAD 0.0009%). This sequence change replaces glycine, which is neutral and non-polar, with valine, which is neutral and non-polar, at codon 1018 of the VARS2 protein (p.Gly1018Val).

NM_020442.6(VARS2):c.2963G>T (p.Gly988Val)

Gene: VARS2 (valyl-tRNA synthetase 2, mitochondrial; plus strand). Cytogenetic location: 6p21.33.
Variant type: single nucleotide variant.
Coding change: c.2963G>T on transcript NM_020442.6 (MANE Select); coding-DNA position 2963, G replaced by T.
Protein change: p.Gly988Val; replaces glycine 988 with valine.
Molecular consequence: missense variant.
Genome position (GRCh38, 1-based): chr6:30,925,881, G>T. VCF-style: chr6-30925881-G-T. GRCh37 (hg19) VCF-style: chr6-30893658-G-T.
Other names: c.2543G>T, p.Gly848Val (NM_001167733.3); c.3053G>T, p.Gly1018Val (NM_001167734.2); short protein forms G1018V, G988V, G848V.
Identifiers: ClinVar variation 1371329 (VCV001371329.6), dbSNP rs770182765, ClinGen allele CA3706426.
Genomic context (GRCh38, chr6:30,925,881, plus strand): 5'-GAGGATGGAGGCCTGGCAGCAGGCGGATGTCTGAGCCTTTTCTCCCTGTTCTTCCCCAGG[G>T]CCTGGTGGACCCGCAGATCCAGCTACCTCTGTTAGCCGCCCGAAGGTACAAGTTGCAGAA-3'
Protein context (NP_065175.4, residues 978-998): DTAQVYMELQ[Gly988Val]LVDPQIQLPL